The following is an entry in ClinVar:

ClinVar aggregate classification (germline): Pathogenic (1 of 4 stars; one submission).

Conditions:
Hydrocephalus, nonsyndromic, autosomal recessive 1 (HYC1). Also called: Hydrocephalus, nonsyndromic, autosomal recessive; Congenital hydrocephalus 1. Identifiers: Orphanet 2185, MedGen C3887608, MONDO:0009360, OMIM 236600.

Submission:

Myriad Genetics, Inc.
Classification: Pathogenic for Hydrocephalus, nonsyndromic, autosomal recessive 1. Last evaluated: 2026-02-04. Review status: criteria provided, single submitter. Criteria: Myriad Autosomal Dominant, Autosomal Recessive and X-Linked Classification Criteria (2023). Collection method: clinical testing. Allele origin: unknown.
Comment: NM_001080414.3(CCDC88C):c.3591dupA(L1198Tfs*18) is expected to be pathogenic in the context of congenital hydrocephalus, CCDC88C-related. This variant is predicted to lead to an abnormal or absent protein product due to the creation of a premature termination codon in CCDC88C, a gene where loss-of-function variants are known to be pathogenic. Please note: this variant was assessed in the context of healthy population screening.

NM_001080414.4(CCDC88C):c.3591dup (p.Leu1198fs)

Gene: CCDC88C (coiled-coil and HOOK domain protein 88C; minus strand). Cytogenetic location: 14q32.11.
Variant type: Duplication.
Coding change: c.3591dup on transcript NM_001080414.4 (MANE Select); coding-DNA position 3591, one base duplicated (A; older notation c.3591dupA).
Protein change: p.Leu1198fs; shifts the reading frame from leucine 1198.
Molecular consequence: frameshift variant. On other transcripts: non-coding transcript variant (2).
Genome position (GRCh38, 1-based): chr14:91,303,745, T duplicated on the plus strand (A on the coding strand, the reverse complement: CCDC88C is on the minus strand). VCF-style (leftmost placement, unchanged base first): chr14-91303744-G-GT. GRCh37 (hg19) VCF-style: chr14-91770088-G-GT.
Other names: short protein forms L1198fs.
Identifiers: ClinVar variation 5015513 (VCV005015513.1).